The following is an entry in ClinVar:

NM_007103.4(NDUFV1):c.435G>A (p.Gly145=)

Gene: NDUFV1 (NADH:ubiquinone oxidoreductase core subunit V1; plus strand). Cytogenetic location: 11q13.2.
Variant type: single nucleotide variant.
Coding change: c.435G>A on transcript NM_007103.4 (MANE Select); coding-DNA position 435, G replaced by A.
Protein change: p.Gly145=; no amino-acid change (glycine 145 retained).
Molecular consequence: synonymous variant.
Genome position (GRCh38, 1-based): chr11:67,609,560, G>A. VCF-style: chr11-67609560-G-A. GRCh37 (hg19) VCF-style: chr11-67377031-G-A.
Other names: c.408G>A, p.Gly136= (NM_001166102.2).
Identifiers: ClinVar variation 715643 (VCV000715643.17), dbSNP rs146528078, ClinGen allele CA6143171.

ClinVar aggregate classification (germline): Benign/Likely benign. Review status: criteria provided, multiple submitters, no conflicts (2 of 4 stars). 6 submissions from 6 submitters: Benign (1); Likely benign (4). 1 of the submissions does not count toward it. Last evaluated 2026-09-01.

Conditions:
NDUFV1-related disorder. Also called: NDUFV1-related condition; NDUFV1-related disorders.

Allele frequency attached by ClinVar (database versions not stated): gnomAD exomes 0.00009 and 0.00025; ExAC 0.00028; 1000 Genomes Project 0.00060; 1000 Genomes Project 30x 0.00062; gnomAD 0.00081 and 0.00088; TOPMed 0.00092; ESP Exome Variant Server 0.00139.
gnomAD v4.1: 260 of 1,613,110 alleles (0.016%); highest among the groups gnomAD compares: African/African-American, 0.31%; no homozygotes.

Submissions (6):

CeGaT Center for Human Genetics Tuebingen
Classification: Likely benign. Last evaluated: 2026-09-01. Review status: criteria provided, single submitter. Criteria: CeGaT Center For Human Genetics Tuebingen Variant Classification Criteria Version 2. Collection method: clinical testing. Allele origin: germline. Affected: yes. Observed: 1 variant allele.
Comment: NDUFV1: BP4

Labcorp Genetics (formerly Invitae), Labcorp
Classification: Benign. Last evaluated: 2026-01-26. Review status: criteria provided, single submitter. Criteria: Invitae Variant Classification Sherloc (09022015). Collection method: clinical testing. Allele origin: germline.

Blueprint Genetics
Classification: Likely benign. Last evaluated: 2024-10-31. Review status: criteria provided, single submitter. Criteria: ACMG Guidelines, 2015. Collection method: clinical testing. Allele origin: germline.

GeneDx
Classification: Likely benign. Last evaluated: 2020-11-30. Review status: criteria provided, single submitter. Criteria: GeneDx Variant Classification Process June 2021. Collection method: clinical testing. Allele origin: germline. Affected: yes.

Breakthrough Genomics
Classification: Likely benign. Review status: criteria provided, single submitter. Criteria: ACMG Guidelines, 2015. Collection method: not provided. Allele origin: germline. Inheritance: Autosomal recessive inheritance. Affected: yes.

PreventionGenetics, part of Exact Sciences
Classification: Likely benign for NDUFV1-related condition. Last evaluated: 2019-05-20. Review status: no assertion criteria provided. Collection method: clinical testing. Allele origin: germline. Not counted in ClinVar's aggregate classification.
Comment: This variant is classified as likely benign based on ACMG/AMP sequence variant interpretation guidelines (Richards et al. 2015 PMID: 25741868, with internal and published modifications).